The following is an entry in ClinVar:

NM_032638.5(GATA2):c.818G>T (p.Gly273Val)

Gene: GATA2 (GATA binding protein 2; minus strand). Cytogenetic location: 3q21.3.
Variant type: single nucleotide variant.
Coding change: c.818G>T on transcript NM_032638.5 (MANE Select); coding-DNA position 818, G replaced by T.
Protein change: p.Gly273Val; replaces glycine 273 with valine.
Molecular consequence: missense variant.
Genome position (GRCh38, 1-based): chr3:128,485,780, C>A on the plus strand (G>T on the coding strand, the complement: GATA2 is on the minus strand). VCF-style: chr3-128485780-C-A. GRCh37 (hg19) VCF-style: chr3-128204623-C-A.
Other names: c.818G>T, p.Gly273Val (NM_001145661.2, NM_001145662.1); short protein forms G273V.
Identifiers: ClinVar variation 566649 (VCV000566649.5), dbSNP rs1559986940, ClinGen allele CA354405819.
Genomic context (GRCh38, chr3:128,485,780, plus strand): 5'-CCTTTACCTGAACAGGAACGAGCCTTGCTGCGCTGCTTAGGGGTGAAGCTGGAGGCCGGT[C>A]CCCCCAGGAAGCCTCCGGGGTGGAAGAGTCCGCTGCTGTAGTCGTGGGCAGCCGCCGGCA-3'
Protein context (NP_116027.2, residues 263-283): GLFHPGGFLG[Gly273Val]PASSFTPKQR

ClinVar aggregate classification (germline): Uncertain significance. Review status: criteria provided, multiple submitters, no conflicts (2 of 4 stars). 2 submissions from 2 submitters: Uncertain significance (2). Last evaluated 2025-07-15.

Conditions:
Inborn genetic diseases. Identifiers: MedGen C0950123, MeSH D030342.
Deafness-lymphedema-leukemia syndrome. Also called: Emberger syndrome; Lymphedema, primary, with myelodysplasia. Identifiers: Orphanet 3226, MedGen C3279664, MONDO:0013540, OMIM 614038.
Monocytopenia with susceptibility to infections. Also called: Dendritic cell, monocyte, B lymphocyte, and natural killer lymphocyte deficiency; GATA2 DEFICIENCY; IMMUNODEFICIENCY 21; MONOCYTOPENIA AND MYCOBACTERIAL INFECTION SYNDROME; MONOCYTOPENIA WITH SUSCEPTIBILITY TO MYCOBACTERIAL, FUNGAL, AND PAPILLOMAVIRUS INFECTIONS AND MYELODYSPLASIA; COMBINED IMMUNODEFICIENCY WITH SUSCEPTIBILITY TO MYCOBACTERIAL, VIRAL, AND FUNGAL INFECTIONS. Identifiers: Orphanet 228423, MedGen C3280030, MONDO:0013607, OMIM 614172.

Submissions (2):

Ambry Genetics
Classification: Uncertain significance for Inborn genetic diseases. Last evaluated: 2025-07-15. Review status: criteria provided, single submitter. Criteria: Ambry Variant Classification Scheme 2023. Collection method: clinical testing. Allele origin: germline.
Comment: The p.G273V variant (also known as c.818G>T), located in coding exon 2 of the GATA2 gene, results from a G to T substitution at nucleotide position 818. The glycine at codon 273 is replaced by valine, an amino acid with dissimilar properties. This amino acid position is highly conserved in available vertebrate species. In addition, this alteration is predicted to be deleterious by in silico analysis. Based on the available evidence, the clinical significance of this variant remains unclear.

Labcorp Genetics (formerly Invitae), Labcorp
Classification: Uncertain significance for Monocytopenia with susceptibility to infections; Deafness-lymphedema-leukemia syndrome. Last evaluated: 2024-02-17. Review status: criteria provided, single submitter. Criteria: Invitae Variant Classification Sherloc (09022015). Collection method: clinical testing. Allele origin: germline.
Comment: This sequence change replaces glycine, which is neutral and non-polar, with valine, which is neutral and non-polar, at codon 273 of the GATA2 protein (p.Gly273Val). This variant is not present in population databases (gnomAD no frequency). This variant has not been reported in the literature in individuals affected with GATA2-related conditions. ClinVar contains an entry for this variant (Variation ID: 566649). Advanced modeling of protein sequence and biophysical properties (such as structural, functional, and spatial information, amino acid conservation, physicochemical variation, residue mobility, and thermodynamic stability) has been performed at Invitae for this missense variant, however the output from this modeling did not meet the statistical confidence thresholds required to predict the impact of this variant on GATA2 protein function. In summary, the available evidence is currently insufficient to determine the role of this variant in disease. Therefore, it has been classified as a Variant of Uncertain Significance.